The following is an entry in ClinVar:

NM_005271.5(GLUD1):c.1096C>T (p.Pro366Ser)

Gene: GLUD1 (glutamate dehydrogenase 1; minus strand). Cytogenetic location: 10q23.2.
Variant type: single nucleotide variant.
Coding change: c.1096C>T on transcript NM_005271.5 (MANE Select); coding-DNA position 1096, C replaced by T.
Protein change: p.Pro366Ser; replaces proline 366 with serine.
Molecular consequence: missense variant.
Genome position (GRCh38, 1-based): chr10:87,060,789, G>A on the plus strand (C>T on the coding strand, the complement: GLUD1 is on the minus strand). VCF-style: chr10-87060789-G-A. GRCh37 (hg19) VCF-style: chr10-88820546-G-A.
Other names: c.595C>T, p.Pro199Ser (NM_001318902.1, NM_001318904.2, NM_001318905.2 and 2 more transcripts); c.697C>T, p.Pro233Ser (NM_001318900.1); short protein forms P199S, P233S, P366S.
Identifiers: ClinVar variation 3669647 (VCV003669647.2).

ClinVar aggregate classification (germline): Uncertain significance (1 of 4 stars; one submission).

Conditions:
Hyperinsulinism-hyperammonemia syndrome (HHF6). Identifiers: Orphanet 35878, MedGen C1847555, MONDO:0011717, OMIM 606762.

Submission:

Labcorp Genetics (formerly Invitae), Labcorp
Classification: Uncertain significance for Hyperinsulinism-hyperammonemia syndrome. Last evaluated: 2024-06-05. Review status: criteria provided, single submitter. Criteria: Invitae Variant Classification Sherloc (09022015). Collection method: clinical testing. Allele origin: germline.
Comment: This sequence change replaces proline, which is neutral and non-polar, with serine, which is neutral and polar, at codon 366 of the GLUD1 protein (p.Pro366Ser). This variant is not present in population databases (gnomAD no frequency). This variant has not been reported in the literature in individuals affected with GLUD1-related conditions. Advanced modeling of protein sequence and biophysical properties (such as structural, functional, and spatial information, amino acid conservation, physicochemical variation, residue mobility, and thermodynamic stability) performed at Invitae indicates that this missense variant is not expected to disrupt GLUD1 protein function with a negative predictive value of 80%. In summary, the available evidence is currently insufficient to determine the role of this variant in disease. Therefore, it has been classified as a Variant of Uncertain Significance.